The following is an entry in ClinVar:

NM_000051.4(ATM):c.2755A>C (p.Arg919=)

Gene: ATM (ATM serine/threonine kinase; plus strand). Cytogenetic location: 11q22.3.
Variant type: single nucleotide variant.
Coding change: c.2755A>C on transcript NM_000051.4 (MANE Select); coding-DNA position 2755, A replaced by C.
Protein change: p.Arg919=; no amino-acid change (arginine 919 retained).
Molecular consequence: synonymous variant.
Genome position (GRCh38, 1-based): chr11:108,268,526, A>C. VCF-style: chr11-108268526-A-C. GRCh37 (hg19) VCF-style: chr11-108139253-A-C.
Other names: c.2755A>C, p.Arg919= (NM_001351834.2).
Identifiers: ClinVar variation 3254276 (VCV003254276.2), dbSNP rs1591594384.
Genomic context (GRCh38, chr11:108,268,526, plus strand): 5'-GACATGCTCAAGTTCTTGTGTTTGTGTGTAACTACTGCTCAGACCAATACTGTGTCCTTT[A>C]GGGCAGCTGATATTCGGAGGAAATTGTTAATGTTAATTGATTCTAGCACGCTAGAACCTA-3'
Protein context (NP_000042.3, residues 909-929): TTAQTNTVSF[Arg919=]AADIRRKLLM

ClinVar aggregate classification (germline): Benign/Likely benign. Review status: criteria provided, multiple submitters, no conflicts (2 of 4 stars). 2 submissions from 2 submitters: Benign (1); Likely benign (1). Last evaluated 2024-05-10.

Conditions:
Familial cancer of breast. Also called: BREAST CANCER, FAMILIAL; Hereditary breast cancer; hereditary breast carcinoma. Identifiers: Orphanet 227535, MedGen C0346153, MONDO:0016419, OMIM 114480. Disease mechanism: loss of function.
Hereditary cancer-predisposing syndrome. Also called: Hereditary Cancer Syndrome; Tumor predisposition; Hereditary neoplastic syndrome; Neoplastic Syndromes, Hereditary. Identifiers: Orphanet 140162, MedGen C0027672, MeSH D009386, MONDO:0015356.

Allele frequency attached by ClinVar (database versions not stated): gnomAD 0.00001.
gnomAD v4.1: 1 of 1,613,982 alleles (0.000062%); no homozygotes.

Submissions (2):

Myriad Genetics, Inc.
Classification: Benign for Familial cancer of breast. Last evaluated: 2024-05-10. Review status: criteria provided, single submitter. Criteria: Myriad Autosomal Dominant, Autosomal Recessive and X-Linked Classification Criteria (2023). Collection method: clinical testing. Allele origin: unknown.
Comment: This variant is considered benign. This variant is a silent/synonymous amino acid change and it is not expected to impact splicing.

Ambry Genetics
Classification: Likely benign for Hereditary cancer-predisposing syndrome. Last evaluated: 2024-04-30. Review status: criteria provided, single submitter. Criteria: Ambry Variant Classification Scheme 2023. Collection method: clinical testing. Allele origin: germline.